The following is an entry in ClinVar:

NM_004456.5(EZH2):c.550G>C (p.Asp184His)

Gene: EZH2 (enhancer of zeste 2 polycomb repressive complex 2 subunit; minus strand). Cytogenetic location: 7q36.1.
Variant type: single nucleotide variant.
Coding change: c.550G>C on transcript NM_004456.5 (MANE Select); coding-DNA position 550, G replaced by C.
Protein change: p.Asp184His; replaces aspartic acid 184 with histidine.
Molecular consequence: missense variant.
Genome position (GRCh38, 1-based): chr7:148,828,815, C>G on the plus strand (G>C on the coding strand, the complement: EZH2 is on the minus strand). VCF-style: chr7-148828815-C-G. GRCh37 (hg19) VCF-style: chr7-148525907-C-G.
Other names: c.550G>C, p.Asp184His (NM_001203247.2); c.523G>C, p.Asp175His (NM_001203248.2, NM_001203249.2); c.433G>C, p.Asp145His (NM_152998.3); short protein forms D184H, D175H, D145H.
Identifiers: ClinVar variation 423764 (VCV000423764.2), dbSNP rs1064796617, ClinGen allele CA16618395.

ClinVar aggregate classification (germline): Likely pathogenic (1 of 4 stars; one submission).

Submission:

GeneDx
Classification: Likely pathogenic. Last evaluated: 2017-02-23. Review status: criteria provided, single submitter. Criteria: GeneDx Variant Classification (06012015). Collection method: clinical testing. Allele origin: germline. Affected: yes.
Comment: The D184H variant in the EZH2 gene has not been reported previously as a pathogenic variant, nor as a benign variant, to our knowledge. The D184H variant is not observed in large population cohorts (Lek et al., 2016; 1000 Genomes Consortium et al., 2015; Exome Variant Server). The D184H variant is a non-conservative amino acid substitution, which is likely to impact secondary protein structure as these residues differ in polarity, charge, size and/or other properties. This substitution is located in a region for interaction with DNMT1, DNMT3A, and DNMT3B and occurs at a position that is conserved across species. In silico analysis is inconsistent in its predictions as to whether or not the variant is damaging to the protein structure/function. Therefore, we interpret D184H as a likely pathogenic variant.